The following is an entry in ClinVar:

ClinVar aggregate classification (germline): Uncertain significance (1 of 4 stars; one submission).

Conditions:
Intellectual developmental disorder, autosomal dominant 73 (MRD73). Also called: TAF4-RELATED NDD; TAF4-RELATED NEURODEVELOPMENTAL DISORDER. Identifiers: MedGen C5830636, MONDO:0957536, OMIM 620450.

Submission:

MVZ Medizinische Genetik Mainz
Classification: Uncertain significance for Intellectual developmental disorder, autosomal dominant 73. Last evaluated: 2024-05-03. Review status: criteria provided, single submitter. Criteria: UK Practice Guidelines For Variant Classification V4 01 2020. Collection method: clinical testing. Allele origin: germline. Inheritance: Autosomal dominant inheritance. Affected: yes. Observed: 1 variant allele.
Comment: ACMG Criteria: PVS1_STR,PM2_SUP

NM_003185.4(TAF4):c.3052_3053del (p.Arg1018fs)

Gene: TAF4 (TATA-box binding protein associated factor 4; minus strand). Cytogenetic location: 20q13.33.
Variant type: Microsatellite.
Coding change: c.3052_3053del on transcript NM_003185.4 (MANE Select); coding-DNA positions 3052 to 3053, 2 bases deleted (AG; older notation c.3052_3053delAG).
Protein change: p.Arg1018fs; shifts the reading frame from arginine 1018.
Molecular consequence: frameshift variant.
Genome position (GRCh38, 1-based): chr20:61,997,587-61,997,588, CT deleted on the plus strand (AG on the coding strand, the reverse complement: TAF4 is on the minus strand); deleting any 2 consecutive bases within chr20:61,997,587-61,997,590 gives the same sequence; the c. name uses the placement nearest the transcript's 3' end. VCF-style (leftmost placement, unchanged base first): chr20-61997586-CCT-C. GRCh37 (hg19) VCF-style: chr20-60572642-CCT-C.
Other names: short protein forms R1018fs.
Identifiers: ClinVar variation 3235955 (VCV003235955.1), dbSNP rs2515978312, ClinGen allele CA2825002840.